The following is an entry in ClinVar:

NM_001267550.2(TTN):c.55279C>G (p.His18427Asp)

Genes: TTN (titin; minus strand), TTN-AS1 (TTN antisense RNA 1; plus strand). Cytogenetic location: 2q31.2.
Variant type: single nucleotide variant.
Coding change: c.55279C>G on transcript NM_001267550.2 (MANE Select); coding-DNA position 55279, C replaced by G.
Protein change: p.His18427Asp; replaces histidine 18427 with aspartic acid.
Molecular consequence: missense variant.
Genome position (GRCh38, 1-based): chr2:178,601,905, G>C on the plus strand (C>G on the coding strand, the complement: TTN is on the minus strand). VCF-style: chr2-178601905-G-C. GRCh37 (hg19) VCF-style: chr2-179466632-G-C.
Other names: c.50356C>G, p.His16786Asp (NM_001256850.1); c.28084C>G, p.His9362Asp (NM_003319.4); c.47575C>G, p.His15859Asp (NM_133378.4); c.28459C>G, p.His9487Asp (NM_133432.3); c.28660C>G, p.His9554Asp (NM_133437.4); c.55279C>G (NM_001267550.1); short protein forms H15859D, H16786D, H18427D, H9362D, H9487D, H9554D.
Identifiers: ClinVar variation 1215850 (VCV001215850.4), dbSNP rs1003543649, ClinGen allele CA60978236.

ClinVar aggregate classification (germline): Uncertain significance (1 of 4 stars; one submission).

Submission:

GeneDx
Classification: Uncertain significance. Last evaluated: 2024-05-22. Review status: criteria provided, single submitter. Criteria: GeneDx Variant Classification Process June 2021. Collection method: clinical testing. Allele origin: germline. Affected: yes.
Comment: Has not been previously published as pathogenic or benign to our knowledge